The following is an entry in ClinVar:

ClinVar aggregate classification (germline): Benign. Review status: criteria provided, multiple submitters, no conflicts (2 of 4 stars). 3 submissions from 3 submitters: Benign (3). Last evaluated 2026-01-27.

Allele frequency attached by ClinVar (database versions not stated): ESP Exome Variant Server 0.10443; gnomAD 0.11248 and 0.10921; gnomAD exomes 0.13541 and 0.11921; 1000 Genomes Project 0.12580; TOPMed 0.11885; ExAC 0.13784; 1000 Genomes Project 30x 0.12242.
gnomAD v4.1: 191,210 of 1,609,610 alleles (12%); highest among the groups gnomAD compares: Admixed American, 22%; 12,516 homozygotes.

Submissions (3):

Labcorp Genetics (formerly Invitae), Labcorp
Classification: Benign. Last evaluated: 2026-01-27. Review status: criteria provided, single submitter. Criteria: Invitae Variant Classification Sherloc (09022015). Collection method: clinical testing. Allele origin: germline.

GeneDx
Classification: Benign. Last evaluated: 2018-05-01. Review status: criteria provided, single submitter. Criteria: GeneDx Variant Classification (06012015). Collection method: clinical testing. Allele origin: germline. Affected: yes.
Comment: This variant is considered likely benign or benign based on one or more of the following criteria: it is a conservative change, it occurs at a poorly conserved position in the protein, it is predicted to be benign by multiple in silico algorithms, and/or has population frequency not consistent with disease.

Breakthrough Genomics
Classification: Benign. Review status: criteria provided, single submitter. Criteria: ACMG Guidelines, 2015. Collection method: not provided. Allele origin: germline. Inheritance: Unknown mechanism. Affected: yes.

NM_001204424.2(RGS6):c.829T>C (p.Leu277=)

Gene: RGS6 (regulator of G protein signaling 6; plus strand). Cytogenetic location: 14q24.2.
Variant type: single nucleotide variant.
Coding change: c.829T>C on transcript NM_001204424.2 (MANE Select); coding-DNA position 829, T replaced by C.
Protein change: p.Leu277=; no amino-acid change (leucine 277 retained).
Molecular consequence: synonymous variant. On other transcripts: non-coding transcript variant (1).
Genome position (GRCh38, 1-based): chr14:72,478,304, T>C. VCF-style: chr14-72478304-T-C. GRCh37 (hg19) VCF-style: chr14-72945012-T-C.
Other names: c.829T>C, p.Leu277= (NM_001204416.3, NM_001204417.3, NM_001204418.3 and 27 more transcripts); c.724T>C, p.Leu242= (NM_001204423.2); c.820T>C, p.Leu274= (NM_001370279.1); c.730T>C, p.Leu244= (NM_001370286.1).
Identifiers: ClinVar variation 677237 (VCV000677237.10), dbSNP rs2302143, ClinGen allele CA7253975.